The following is an entry in ClinVar:

ClinVar aggregate classification (germline): Uncertain significance (1 of 4 stars; one submission).

Conditions:
Baller-Gerold syndrome (BGS). Also called: CRANIOSYNOSTOSIS WITH RADIAL DEFECTS. Identifiers: Orphanet 1225, MedGen C0265308, MONDO:0009039, OMIM 218600.

Allele frequency attached by ClinVar (database versions not stated): TOPMed below 0.00001; gnomAD 0.00001.

Submission:

Labcorp Genetics (formerly Invitae), Labcorp
Classification: Uncertain significance for Baller-Gerold syndrome. Last evaluated: 2023-01-17. Review status: criteria provided, single submitter. Criteria: Invitae Variant Classification Sherloc (09022015). Collection method: clinical testing. Allele origin: germline.
Comment: In summary, the available evidence is currently insufficient to determine the role of this variant in disease. Therefore, it has been classified as a Variant of Uncertain Significance. Variants that disrupt the consensus splice site are a relatively common cause of aberrant splicing (PMID: 17576681, 9536098). Algorithms developed to predict the effect of sequence changes on RNA splicing suggest that this variant may disrupt the consensus splice site. This variant has not been reported in the literature in individuals affected with RECQL4-related conditions. This variant is not present in population databases (gnomAD no frequency). This sequence change affects an acceptor splice site in intron 20 of the RECQL4 gene. While this variant is not anticipated to result in nonsense mediated decay, it likely alters RNA splicing and results in a disrupted protein product.

Literature cited by the submitters: PubMed 17576681; PubMed 9536098.

NM_004260.4(RECQL4):c.3503-2A>G

Gene: RECQL4 (RecQ like helicase 4; minus strand). Cytogenetic location: 8q24.3.
Variant type: single nucleotide variant.
Coding change: c.3503-2A>G on transcript NM_004260.4 (MANE Select); the canonical splice acceptor site of the intron before coding-DNA position 3503, A replaced by G.
Molecular consequence: splice acceptor variant.
Genome position (GRCh38, 1-based): chr8:144,511,557, T>C on the plus strand (A>G on the coding strand, the complement: RECQL4 is on the minus strand). VCF-style: chr8-144511557-T-C. GRCh37 (hg19) VCF-style: chr8-145736940-T-C.
Other names: c.3374-2A>G (NM_001413025.1); c.3152-2A>G (NM_001413029.1); c.2366-2A>G (NM_001413032.1, NM_001413027.1, NM_001413030.1); c.2432-2A>G (NM_001413035.1, NM_001413040.1, NM_001413021.1 and 4 more transcripts); c.3209-2A>G (NM_001413017.1); c.3407-2A>G (NM_001413020.1); c.3473-2A>G (NM_001413039.1); c.3371-2A>G (NM_001413033.1); and 9 more.
Identifiers: ClinVar variation 2797972 (VCV002797972.3), dbSNP rs1371218064, ClinGen allele CA372666293.
Genomic context (GRCh38, chr8:144,511,557, plus strand): 5'-GTATTTTCTCCAGAAGCGTCGGTCCTGCCCGTACACCTGGGCCGGGTAGCAGGGGCTTCC[T>C]ACGGTGGAGCCAAGACACAGCCGTGAGCCCCAGCCCCAGCCTGCAGCGGGTGGAGCCTCC-3'